The following is an entry in ClinVar:

NM_005188.4(CBL):c.2254G>C (p.Glu752Gln)

Gene: CBL (Cbl proto-oncogene; plus strand). Cytogenetic location: 11q23.3.
Variant type: single nucleotide variant.
Coding change: c.2254G>C on transcript NM_005188.4 (MANE Select); coding-DNA position 2254, G replaced by C.
Protein change: p.Glu752Gln; replaces glutamic acid 752 with glutamine.
Molecular consequence: missense variant.
Genome position (GRCh38, 1-based): chr11:119,298,360, G>C. VCF-style: chr11-119298360-G-C. GRCh37 (hg19) VCF-style: chr11-119169070-G-C.
Other names: short protein forms E752Q.
Identifiers: ClinVar variation 3996084 (VCV003996084.1).

ClinVar aggregate classification (germline): Uncertain significance (1 of 4 stars; one submission).

Conditions:
Cardiovascular phenotype. Identifiers: MedGen CN230736.

Submission:

Ambry Genetics
Classification: Uncertain significance for Cardiovascular phenotype. Last evaluated: 2025-06-02. Review status: criteria provided, single submitter. Criteria: Ambry Variant Classification Scheme 2023. Collection method: clinical testing. Allele origin: germline.
Comment: The p.E752Q variant (also known as c.2254G>C), located in coding exon 15 of the CBL gene, results from a G to C substitution at nucleotide position 2254. The glutamic acid at codon 752 is replaced by glutamine, an amino acid with highly similar properties. This amino acid position is conserved. In addition, this alteration is predicted to be tolerated by in silico analysis. Based on the available evidence, the clinical significance of this variant remains unclear.